The following is an entry in ClinVar:

ClinVar aggregate classification (germline): Benign/Likely benign. Review status: criteria provided, multiple submitters, no conflicts (2 of 4 stars). 13 submissions from 10 submitters: Benign (10); Likely benign (1). 2 of the submissions do not count toward it. Last evaluated 2026-02-04.

Conditions:
Atypical hemolytic-uremic syndrome with C3 anomaly. Also called: AHUS, SUSCEPTIBILITY TO, 5. Identifiers: Orphanet 2134, MedGen C2752037, MONDO:0013043, OMIM 612925.
Complement component 3 deficiency. Identifiers: Orphanet 280133, MedGen C3151071, MONDO:0013417, OMIM 613779.
Age related macular degeneration 9. Identifiers: MedGen C1969651, MONDO:0012659, OMIM 611378.
Atypical hemolytic-uremic syndrome. Identifiers: Orphanet 2134, MedGen C2931788, MONDO:0016244.
C3 glomerulonephritis. Also called: C3 GLOMERULOPATHY 3; Nephropathy due to CFHR5 Deficiency. Identifiers: Orphanet 329931, MedGen C4055342, MONDO:0013892, OMIM 614809.

Allele frequency attached by ClinVar (database versions not stated): gnomAD 0.50596; ESP Exome Variant Server 0.51038; TOPMed 0.51150; 1000 Genomes Project 30x 0.53217; 1000 Genomes Project 0.53295.

Submissions (13):

Labcorp Genetics (formerly Invitae), Labcorp
Classification: Benign. Last evaluated: 2026-02-04. Review status: criteria provided, single submitter. Criteria: Invitae Variant Classification Sherloc (09022015). Collection method: clinical testing. Allele origin: germline.

Women's Health and Genetics/Laboratory Corporation of America, LabCorp
Classification: Benign. Last evaluated: 2026-01-21. Review status: criteria provided, single submitter. Criteria: LabCorp Variant Classification Summary - May 2015. Collection method: clinical testing. Allele origin: germline.

Genomenon, Inc
Classification: Benign for Complement component 3 deficiency; C3 glomerulonephritis; Atypical hemolytic-uremic syndrome. Last evaluated: 2025-09-30. Review status: criteria provided, single submitter. Criteria: Genomenon Sequence Variant Interpretation Standards. Collection method: curation. Allele origin: germline. Affected: no.
Comment: C3 p.Pro1632= (c.4896C>T) is a synonymous variant that retains Proline at residue 1632. This variant is present at high allele frequency in population databases. In conclusion, we classify C3 p.Pro1632= (c.4896C>T) as a benign variant.

Blueprint Genetics
Classification: Likely benign. Last evaluated: 2024-11-28. Review status: criteria provided, single submitter. Criteria: ACMG Guidelines, 2015. Collection method: clinical testing. Allele origin: germline.

Mayo Clinic Laboratories, Mayo Clinic
Classification: Benign. Last evaluated: 2022-03-10. Review status: criteria provided, single submitter. Criteria: ACMG Guidelines, 2015. Collection method: clinical testing. Allele origin: germline. Observed: 2,465 variant alleles.

Genome-Nilou Lab
Classification: Benign for Complement component 3 deficiency. Last evaluated: 2021-07-14. Review status: criteria provided, single submitter. Criteria: ACMG Guidelines, 2015. Collection method: clinical testing. Allele origin: germline. Affected: no.

Genome-Nilou Lab
Classification: Benign for Age related macular degeneration 9. Last evaluated: 2021-07-14. Review status: criteria provided, single submitter. Criteria: ACMG Guidelines, 2015. Collection method: clinical testing. Allele origin: germline. Affected: no.

Illumina Laboratory Services, Illumina
Classification: Benign for Age related macular degeneration 9. Last evaluated: 2018-01-13. Review status: criteria provided, single submitter. Criteria: ICSL Variant Classification Criteria 13 December 2019. Collection method: clinical testing. Allele origin: germline.
Comment: This variant was observed in the ICSL laboratory as part of a predisposition screen in an ostensibly healthy population. It had not been previously curated by ICSL or reported in the Human Gene Mutation Database (HGMD: prior to June 1st, 2018), and was therefore a candidate for classification through an automated scoring system. Utilizing variant allele frequency, disease prevalence and penetrance estimates, and inheritance mode, an automated score was calculated to assess if this variant is too frequent to cause the disease. Based on the score and internal cut-off values, a variant classified as benign is not then subjected to further curation. The score for this variant resulted in a classification of benign for this disease.

Illumina Laboratory Services, Illumina
Classification: Benign for Atypical hemolytic-uremic syndrome with C3 anomaly. Last evaluated: 2018-01-13. Review status: criteria provided, single submitter. Criteria: ICSL Variant Classification Criteria 13 December 2019. Collection method: clinical testing. Allele origin: germline.
Comment: the same text as in the submission from Illumina Laboratory Services, Illumina above.

Illumina Laboratory Services, Illumina
Classification: Benign for Complement component 3 deficiency. Last evaluated: 2018-01-13. Review status: criteria provided, single submitter. Criteria: ICSL Variant Classification Criteria 13 December 2019. Collection method: clinical testing. Allele origin: germline.
Comment: the same text as in the submission from Illumina Laboratory Services, Illumina above.

Breakthrough Genomics
Classification: Benign. Review status: criteria provided, single submitter. Criteria: ACMG Guidelines, 2015. Collection method: not provided. Allele origin: germline. Inheritance: Autosomal recessive inheritance. Affected: yes.

Diagnostic Laboratory, Department of Genetics, University Medical Center Groningen
Classification: Benign. Review status: no assertion criteria provided. Collection method: clinical testing. Allele origin: germline. Affected: yes. Study: VKGL Data-share Consensus. Not counted in ClinVar's aggregate classification.

Joint Genome Diagnostic Labs from Nijmegen and Maastricht, Radboudumc and MUMC+
Classification: Benign. Review status: no assertion criteria provided. Collection method: clinical testing. Allele origin: germline. Affected: yes. Study: VKGL Data-share Consensus. Not counted in ClinVar's aggregate classification.

NM_000064.4(C3):c.4896C>T (p.Pro1632=)

Gene: C3 (complement C3; minus strand). Cytogenetic location: 19p13.3.
Variant type: single nucleotide variant.
Coding change: c.4896C>T on transcript NM_000064.4 (MANE Select); coding-DNA position 4896, C replaced by T.
Protein change: p.Pro1632=; no amino-acid change (proline 1632 retained).
Molecular consequence: synonymous variant.
Genome position (GRCh38, 1-based): chr19:6,677,978, G>A on the plus strand (C>T on the coding strand, the complement: C3 is on the minus strand). VCF-style: chr19-6677978-G-A. GRCh37 (hg19) VCF-style: chr19-6677989-G-A.
Other names: p.Pro1632=; c.4896C>T (LRG_27t1).
Identifiers: ClinVar variation 330270 (VCV000330270.25), dbSNP rs17030, ClinGen allele CA9128202.